The following is an entry in ClinVar:

NM_005732.4(RAD50):c.3745C>T (p.Leu1249=)

Genes: TH2LCRR (T helper type 2 locus control region associated RNA; minus strand), TH2-LCR (Th2 cytokine locus control region; plus strand), RAD50 (RAD50 double strand break repair protein; plus strand). Cytogenetic location: 5q31.1.
Variant type: single nucleotide variant.
Coding change: c.3745C>T on transcript NM_005732.4 (MANE Select); coding-DNA position 3745, C replaced by T.
Protein change: p.Leu1249=; no amino-acid change (leucine 1249 retained).
Molecular consequence: synonymous variant.
Genome position (GRCh38, 1-based): chr5:132,640,798, C>T. VCF-style: chr5-132640798-C-T. GRCh37 (hg19) VCF-style: chr5-131976490-C-T.
Identifiers: ClinVar variation 457467 (VCV000457467.14), dbSNP rs1230753352, ClinGen allele CA446355876.

ClinVar aggregate classification (germline): Conflicting classifications of pathogenicity. Review status: criteria provided, conflicting classifications (1 of 4 stars). 3 submissions from 3 submitters: Uncertain significance (1); Likely benign (2). Last evaluated 2023-12-15.

Conditions:
Hereditary cancer-predisposing syndrome. Also called: Neoplastic Syndromes, Hereditary; Tumor predisposition; Hereditary Cancer Syndrome; Hereditary neoplastic syndrome. Identifiers: Orphanet 140162, MedGen C0027672, MeSH D009386, MONDO:0015356.

Allele frequency attached by ClinVar (database versions not stated): TOPMed below 0.00001; gnomAD exomes 0.00001.
gnomAD v4.1: 8 of 1,613,178 alleles (0.0005%); highest among the groups gnomAD compares: Non-Finnish European, 0.00059%; no homozygotes.

Submissions (3):

Quest Diagnostics Nichols Institute San Juan Capistrano
Classification: Uncertain significance. Last evaluated: 2023-12-15. Review status: criteria provided, single submitter. Criteria: Quest Diagnostics criteria. Collection method: clinical testing. Allele origin: unknown.
Comment: The RAD50 c.3745C>T (p.Leu1249=) synonymous variant has not been reported in individuals with RAD50-related conditions in the published literature. It also has not been reported in large, multi-ethnic general populations (Genome Aggregation Database). Analysis of this variant using software algorithms for the prediction of the effect of nucleotide changes on splicing yielded predictions that this variant does not affect RAD50 mRNA splicing. Based on the available information, we are unable to determine the clinical significance of this variant.

Labcorp Genetics (formerly Invitae), Labcorp
Classification: Likely benign for Hereditary cancer-predisposing syndrome. Last evaluated: 2023-10-22. Review status: criteria provided, single submitter. Criteria: Invitae Variant Classification Sherloc (09022015). Collection method: clinical testing. Allele origin: germline.

Ambry Genetics
Classification: Likely benign for Hereditary cancer-predisposing syndrome. Last evaluated: 2017-08-24. Review status: criteria provided, single submitter. Criteria: Ambry Variant Classification Scheme 2023. Collection method: clinical testing. Allele origin: germline.